The following is an entry in ClinVar:

NM_001048174.2(MUTYH):c.674C>T (p.Pro225Leu)

Gene: MUTYH (mutY DNA glycosylase; minus strand). Cytogenetic location: 1p34.1.
Variant type: single nucleotide variant.
Coding change: c.674C>T on transcript NM_001048174.2 (MANE Select); coding-DNA position 674, C replaced by T.
Protein change: p.Pro225Leu; replaces proline 225 with leucine.
Molecular consequence: missense variant. On other transcripts: non-coding transcript variant (7).
Genome position (GRCh38, 1-based): chr1:45,332,421, G>A on the plus strand (C>T on the coding strand, the complement: MUTYH is on the minus strand). VCF-style: chr1-45332421-G-A. GRCh37 (hg19) VCF-style: chr1-45798093-G-A.
Other names: c.674C>T, p.Pro225Leu (NM_001048171.2, NM_001048173.2, NM_001293195.2 and 6 more transcripts); c.677C>T, p.Pro226Leu (NM_001048172.2, NM_001407071.1, NM_001407078.1 and 1 more transcripts); c.758C>T, p.Pro253Leu (NM_001128425.2); c.719C>T, p.Pro240Leu (NM_001293190.2); c.707C>T, p.Pro236Leu (NM_001293191.2, NM_001407069.1, NM_001407077.1); c.398C>T, p.Pro133Leu (NM_001293192.2, NM_001293196.2, NM_001407091.1); c.329C>T, p.Pro110Leu (NM_001350650.2, NM_001350651.2, NM_001407082.1); c.590C>T, p.Pro197Leu (NM_001407075.1); and 5 more; short protein forms P211L, P212L, P226L, P232L, P110L, P225L, P253L, P133L.
Identifiers: ClinVar variation 2789439 (VCV002789439.3), dbSNP rs564919438, ClinGen allele CA340134806.

ClinVar aggregate classification (germline): Uncertain significance (1 of 4 stars; one submission).

Conditions:
Familial adenomatous polyposis 2. Also called: MUTYH-related attenuated familial adenomatous polyposis; COLORECTAL ADENOMATOUS POLYPOSIS, AUTOSOMAL RECESSIVE; ADENOMAS, MULTIPLE COLORECTAL, AUTOSOMAL RECESSIVE; MYH-associated polyposis; MUTYH-associated polyposis; MUTYH Polyposis. Identifiers: Orphanet 220460, Orphanet 247798, MedGen C3272841, MONDO:0012041, OMIM 608456.

Submission:

Labcorp Genetics (formerly Invitae), Labcorp
Classification: Uncertain significance for Familial adenomatous polyposis 2. Last evaluated: 2024-01-22. Review status: criteria provided, single submitter. Criteria: Invitae Variant Classification Sherloc (09022015). Collection method: clinical testing. Allele origin: germline.
Comment: This sequence change replaces proline, which is neutral and non-polar, with leucine, which is neutral and non-polar, at codon 253 of the MUTYH protein (p.Pro253Leu). This variant is not present in population databases (gnomAD no frequency). This variant has not been reported in the literature in individuals affected with MUTYH-related conditions. An algorithm developed to predict the effect of missense changes on protein structure and function (PolyPhen-2) suggests that this variant is likely to be tolerated. In summary, the available evidence is currently insufficient to determine the role of this variant in disease. Therefore, it has been classified as a Variant of Uncertain Significance.